The following is an entry in ClinVar:

ClinVar aggregate classification (germline): Uncertain significance. Review status: criteria provided, multiple submitters, no conflicts (2 of 4 stars). 2 submissions from 2 submitters: Uncertain significance (2). Last evaluated 2025-10-02.

Conditions:
Temtamy syndrome (TEMTYS). Also called: MENTAL RETARDATION WITH OR WITHOUT CRANIOFACIAL DYSMORPHISM, OCULAR COLOBOMA, OR ABNORMAL CORPUS CALLOSUM. Identifiers: Orphanet 1777, MedGen C1857512, MONDO:0009033, OMIM 218340.

Allele frequency attached by ClinVar (database versions not stated): ExAC 0.00002; gnomAD exomes 0.00003.
gnomAD v4.1: 48 of 1,614,032 alleles (0.003%); highest among the groups gnomAD compares: Non-Finnish European, 0.0041%; no homozygotes.

Submissions (2):

Labcorp Genetics (formerly Invitae), Labcorp
Classification: Uncertain significance for Temtamy syndrome. Last evaluated: 2025-10-02. Review status: criteria provided, single submitter. Criteria: Invitae Variant Classification Sherloc (09022015). Collection method: clinical testing. Allele origin: germline.
Comment: This sequence change replaces isoleucine, which is neutral and non-polar, with methionine, which is neutral and non-polar, at codon 61 of the C12orf57 protein (p.Ile61Met). This variant is present in population databases (rs781858933, gnomAD 0.004%). This variant has not been reported in the literature in individuals affected with C12orf57-related conditions. ClinVar contains an entry for this variant (Variation ID: 2198551). An algorithm developed to predict the effect of missense changes on protein structure and function (PolyPhen-2) suggests that this variant is likely to be disruptive. In summary, the available evidence is currently insufficient to determine the role of this variant in disease. Therefore, it has been classified as a Variant of Uncertain Significance.

Blueprint Genetics
Classification: Uncertain significance. Last evaluated: 2024-07-09. Review status: criteria provided, single submitter. Criteria: ACMG Guidelines, 2015. Collection method: clinical testing. Allele origin: germline.

NM_138425.4(C12orf57):c.183C>G (p.Ile61Met)

Gene: C12orf57 (chromosome 12 open reading frame 57; plus strand). Cytogenetic location: 12p13.31.
Variant type: single nucleotide variant.
Coding change: c.183C>G on transcript NM_138425.4 (MANE Select); coding-DNA position 183, C replaced by G.
Protein change: p.Ile61Met; replaces isoleucine 61 with methionine.
Molecular consequence: missense variant. On other transcripts: intron variant (1).
Genome position (GRCh38, 1-based): chr12:6,944,606, C>G. VCF-style: chr12-6944606-C-G. GRCh37 (hg19) VCF-style: chr12-7053769-C-G.
Other names: c.183C>G, p.Ile61Met (NM_001301834.1); c.144C>G, p.Ile48Met (NM_001301836.2); c.78C>G, p.Ile26Met (NM_001301838.2); c.142+41C>G (NM_001301837.2); short protein forms I61M, I26M, I48M.
Identifiers: ClinVar variation 2198551 (VCV002198551.4), dbSNP rs781858933, ClinGen allele CA6421281.